The following is an entry in ClinVar:

NM_005422.4(TECTA):c.5743A>G (p.Met1915Val)

Genes: TBCEL-TECTA (TBCEL-TECTA readthrough; plus strand), TECTA (tectorin alpha; plus strand). Cytogenetic location: 11q23.3.
Variant type: single nucleotide variant.
Coding change: c.5743A>G on transcript NM_005422.4 (MANE Select); coding-DNA position 5743, A replaced by G.
Protein change: p.Met1915Val; replaces methionine 1915 with valine.
Molecular consequence: missense variant.
Genome position (GRCh38, 1-based): chr11:121,168,210, A>G. VCF-style: chr11-121168210-A-G. GRCh37 (hg19) VCF-style: chr11-121038919-A-G.
Other names: c.6685A>G, p.Met2229Val (NM_001378761.1); short protein forms M1915V, M2229V.
Identifiers: ClinVar variation 517224 (VCV000517224.5), dbSNP rs749089815, ClinGen allele CA6327801.

ClinVar aggregate classification (germline): Uncertain significance (1 of 4 stars; one submission).

Allele frequency attached by ClinVar (database versions not stated): TOPMed 0.00001.

Submission:

Laboratory for Molecular Medicine, Mass General Brigham Personalized Medicine
Classification: Uncertain significance. Last evaluated: 2017-01-24. Review status: criteria provided, single submitter. Criteria: LMM Criteria. Collection method: clinical testing. Allele origin: germline. Observed: 1 variant allele.
Comment: The p.Met1915Val variant in TECTA has not been previously reported in the litera ture, but has been reported in ClinVar (Variation ID# 303038) in individuals wit h unknown affected status. This variant has also been identified in 1/10406 Afri can chromosomes by the Exome Aggregation Consortium (ExAC; dbSNP rs749089815). Although this variant has been seen in the genera l population, its frequency is not high enough to rule out a pathogenic role. Co mputational prediction tools and conservation analysis suggest that the p.Met191 5Val variant may not impact the protein, though this information is not predicti ve enough to rule out pathogenicity. In summary, the clinical significance of th e p.Met1915Val variant is uncertain.